The following is an entry in ClinVar:

NM_001288705.3(CSF1R):c.819C>T (p.Ala273=)

Gene: CSF1R (colony stimulating factor 1 receptor; minus strand). Cytogenetic location: 5q32.
Variant type: single nucleotide variant.
Coding change: c.819C>T on transcript NM_001288705.3 (MANE Select); coding-DNA position 819, C replaced by T.
Protein change: p.Ala273=; no amino-acid change (alanine 273 retained).
Molecular consequence: synonymous variant. On other transcripts: non-coding transcript variant (2).
Genome position (GRCh38, 1-based): chr5:150,077,346, G>A on the plus strand (C>T on the coding strand, the complement: CSF1R is on the minus strand). VCF-style: chr5-150077346-G-A. GRCh37 (hg19) VCF-style: chr5-149456909-G-A.
Other names: c.819C>T, p.Ala273= (NM_001349736.2, NM_001375320.1, NM_005211.4); c.375C>T, p.Ala125= (NM_001375321.1); c.819C>T (NM_005211.3).
Identifiers: ClinVar variation 1328240 (VCV001328240.8), dbSNP rs373141539, ClinGen allele CA3507057.

ClinVar aggregate classification (germline): Likely benign. Review status: criteria provided, single submitter (1 of 4 stars). 4 submissions from 4 submitters: Likely benign (1). 3 of the submissions do not count toward it. Last evaluated 2025-12-18.

Conditions:
CSF1R-related disorder. Also called: CSF1R-related condition. Identifiers: MedGen CN379780, MONDO:0100632.

Allele frequency attached by ClinVar (database versions not stated): ExAC 0.00007; gnomAD 0.00007; ESP Exome Variant Server 0.00008; gnomAD exomes 0.00009 and 0.00013; TOPMed 0.00009.
gnomAD v4.1: 194 of 1,614,042 alleles (0.012%); highest among the groups gnomAD compares: Non-Finnish European, 0.015%; no homozygotes.

Submissions (4):

Labcorp Genetics (formerly Invitae), Labcorp
Classification: Likely benign. Last evaluated: 2025-12-18. Review status: criteria provided, single submitter. Criteria: Invitae Variant Classification Sherloc (09022015). Collection method: clinical testing. Allele origin: germline.

PreventionGenetics, part of Exact Sciences
Classification: Likely benign for CSF1R-related condition. Last evaluated: 2019-05-06. Review status: no assertion criteria provided. Collection method: clinical testing. Allele origin: germline. Not counted in ClinVar's aggregate classification.
Comment: This variant is classified as likely benign based on ACMG/AMP sequence variant interpretation guidelines (Richards et al. 2015 PMID: 25741868, with internal and published modifications).

Genome Diagnostics Laboratory, Amsterdam University Medical Center
Classification: Likely benign. Review status: no assertion criteria provided. Collection method: clinical testing. Allele origin: germline. Affected: yes. Study: VKGL Data-share Consensus. Not counted in ClinVar's aggregate classification.

Laboratory of Diagnostic Genome Analysis, Leiden University Medical Center (LUMC)
Classification: Likely benign. Review status: no assertion criteria provided. Collection method: clinical testing. Allele origin: germline. Affected: yes. Study: VKGL Data-share Consensus. Not counted in ClinVar's aggregate classification.